The following is an entry in ClinVar:

NM_000384.3(APOB):c.12766G>C (p.Glu4256Gln)

Gene: APOB (apolipoprotein B; minus strand). Cytogenetic location: 2p24.1.
Variant type: single nucleotide variant.
Coding change: c.12766G>C on transcript NM_000384.3 (MANE Select); coding-DNA position 12766, G replaced by C.
Protein change: p.Glu4256Gln; replaces glutamic acid 4256 with glutamine.
Molecular consequence: missense variant.
Genome position (GRCh38, 1-based): chr2:21,002,656, C>G on the plus strand (G>C on the coding strand, the complement: APOB is on the minus strand). VCF-style: chr2-21002656-C-G. GRCh37 (hg19) VCF-style: chr2-21225528-C-G.
Other names: short protein forms E4256Q.
Identifiers: ClinVar variation 2952362 (VCV002952362.3), dbSNP rs61743313, ClinGen allele CA43488612.

ClinVar aggregate classification (germline): Uncertain significance (1 of 4 stars; one submission).

Conditions:
Hypercholesterolemia, autosomal dominant, type B (FHCL2). Also called: APOB-Related Familial Hypercholesterolemia, Autosomal Dominant; Familial Hypercholesterolemia Type B; APOLIPOPROTEIN B-100, FAMILIAL DEFECTIVE; APOLIPOPROTEIN B-100, FAMILIAL LIGAND-DEFECTIVE; HYPERCHOLESTEROLEMIA, FAMILIAL, DUE TO LIGAND-DEFECTIVE APOLIPOPROTEIN B; Hyperlipoproteinemia Type IIb. Identifiers: MedGen C1704417, MONDO:0007751, OMIM 144010.
Familial hypobetalipoproteinemia 1. Also called: Hypobetalipoproteinemia, normotriglyceridemic; Acanthocytosis with hypobetalipoproteinemia; APOB-Related Familial Hypobetalipoproteinemia. Identifiers: MedGen C4551990, MONDO:0014252, OMIM 615558.

Submission:

Labcorp Genetics (formerly Invitae), Labcorp
Classification: Uncertain significance for Familial hypobetalipoproteinemia 1; Hypercholesterolemia, autosomal dominant, type B. Last evaluated: 2023-09-29. Review status: criteria provided, single submitter. Criteria: Invitae Variant Classification Sherloc (09022015). Collection method: clinical testing. Allele origin: germline.
Comment: Advanced modeling of protein sequence and biophysical properties (such as structural, functional, and spatial information, amino acid conservation, physicochemical variation, residue mobility, and thermodynamic stability) performed at Invitae indicates that this missense variant is not expected to disrupt APOB protein function. This sequence change replaces glutamic acid, which is acidic and polar, with glutamine, which is neutral and polar, at codon 4256 of the APOB protein (p.Glu4256Gln). This variant is not present in population databases (gnomAD no frequency). This variant has not been reported in the literature in individuals affected with APOB-related conditions. In summary, the available evidence is currently insufficient to determine the role of this variant in disease. Therefore, it has been classified as a Variant of Uncertain Significance.